The following is an entry in ClinVar:

NM_001085458.2(CTNND1):c.1030C>T (p.Arg344Ter)

Genes: CTNND1 (catenin delta 1; plus strand), TMX2-CTNND1 (TMX2-CTNND1 readthrough (NMD candidate); plus strand). Cytogenetic location: 11q12.1.
Variant type: single nucleotide variant.
Coding change: c.1030C>T on transcript NM_001085458.2 (MANE Select); coding-DNA position 1030, C replaced by T.
Protein change: p.Arg344Ter; replaces arginine 344 with a stop codon.
Molecular consequence: nonsense. On other transcripts: non-coding transcript variant (1).
Genome position (GRCh38, 1-based): chr11:57,801,806, C>T. VCF-style: chr11-57801806-C-T. GRCh37 (hg19) VCF-style: chr11-57569278-C-T.
Other names: c.1030C>T, p.Arg344Ter (NM_001085459.2, NM_001085460.2, NM_001085461.2 and 3 more transcripts); c.727C>T, p.Arg243Ter (NM_001085463.2, NM_001085464.2, NM_001085465.2 and 5 more transcripts); c.868C>T, p.Arg290Ter (NM_001206883.2, NM_001206884.2, NM_001206886.2 and 4 more transcripts); c.1030C>T (NM_001085458.1); short protein forms R243*, R290*, R344*.
Identifiers: ClinVar variation 1343238 (VCV001343238.17), dbSNP rs2062049610, ClinGen allele CA380725308.
Genomic context (GRCh38, chr11:57,801,806, plus strand): 5'-ATGATTGGTGAGGAGGTGCCATCGGATCAATACTACTGGGCTCCTTTGGCCCAGCATGAG[C>T]GAGGAAGTTTAGCAAGCTTGGATAGCCTGCGCAAAGGAGGGCCTCCACCTCCTAATTGGA-3'

ClinVar aggregate classification (germline): Pathogenic/Likely pathogenic. Review status: criteria provided, multiple submitters, no conflicts (2 of 4 stars). 4 submissions from 4 submitters: Pathogenic (2); Likely pathogenic (2). Last evaluated 2025-01-01.

Conditions:
Blepharocheilodontic syndrome 2 (BCDS2). Identifiers: MedGen C4540127, MONDO:0040503, OMIM 617681.

Submissions (4):

CeGaT Center for Human Genetics Tuebingen
Classification: Pathogenic. Last evaluated: 2025-01-01. Review status: criteria provided, single submitter. Criteria: CeGaT Center For Human Genetics Tuebingen Variant Classification Criteria Version 2. Collection method: clinical testing. Allele origin: germline. Affected: yes. Observed: 1 variant allele.
Comment: CTNND1: PVS1, PM2

GeneDx
Classification: Pathogenic. Last evaluated: 2024-06-13. Review status: criteria provided, single submitter. Criteria: GeneDx Variant Classification Process June 2021. Collection method: clinical testing. Allele origin: germline. Affected: yes.
Comment: Nonsense variant predicted to result in protein truncation or nonsense mediated decay in a gene for which loss of function is a known mechanism of disease; Not observed at significant frequency in large population cohorts (gnomAD); This variant is associated with the following publications: (PMID: 33057194, 35982160, 35982159)

Institute of Human Genetics, Clinical Exome/Genome Diagnostics Group, University Hospital Bonn
Classification: Likely pathogenic for Blepharocheilodontic syndrome 2. Last evaluated: 2021-06-23. Review status: criteria provided, single submitter. Criteria: ACMG Guidelines, 2015. Collection method: clinical testing. Allele origin: germline. Affected: yes.
Comment: PVS1, PM2

Juno Genomics, Hangzhou Juno Genomics, Inc
Classification: Likely pathogenic for Blepharocheilodontic syndrome 2. Review status: criteria provided, single submitter. Criteria: ACMG Guidelines, 2015. Collection method: clinical testing. Allele origin: germline.
Comment: Absent from controls (or at extremely low frequency if recessive) in Genome Aggregation Database.;Null variant in a gene where loss of function (LOF) is a known mechanism of disease.